The following is an entry in ClinVar:

ClinVar aggregate classification (germline): Uncertain significance (1 of 4 stars; one submission).

Allele frequency attached by ClinVar (database versions not stated): gnomAD exomes 0.00001; ExAC 0.00004; gnomAD 0.00013; TOPMed 0.00014; ESP Exome Variant Server 0.00015.
gnomAD v4.1: 31 of 1,613,854 alleles (0.0019%); highest among the groups gnomAD compares: African/African-American, 0.039%; no homozygotes.

Submission:

Ambry Genetics
Classification: Uncertain significance. Last evaluated: 2023-02-16. Review status: criteria provided, single submitter. Criteria: Ambry Variant Classification Scheme 2023. Collection method: clinical testing. Allele origin: germline.
Comment: The p.V507A variant (also known as c.1520T>C), located in coding exon 14 of the RAD54L gene, results from a T to C substitution at nucleotide position 1520. The valine at codon 507 is replaced by alanine, an amino acid with similar properties. This amino acid position is conserved. In addition, this alteration is predicted to be tolerated by in silico analysis. Since supporting evidence is limited at this time, the clinical significance of this alteration remains unclear.

NM_003579.4(RAD54L):c.1520T>C (p.Val507Ala)

Gene: RAD54L (RAD54 like; plus strand). Cytogenetic location: 1p34.1.
Variant type: single nucleotide variant.
Coding change: c.1520T>C on transcript NM_003579.4 (MANE Select); coding-DNA position 1520, T replaced by C.
Protein change: p.Val507Ala; replaces valine 507 with alanine.
Molecular consequence: missense variant.
Genome position (GRCh38, 1-based): chr1:46,273,657, T>C. VCF-style: chr1-46273657-T-C. GRCh37 (hg19) VCF-style: chr1-46739329-T-C.
Other names: c.1520T>C, p.Val507Ala (NM_001142548.2); c.980T>C, p.Val327Ala (NM_001370766.1); short protein forms V327A, V507A.
Identifiers: ClinVar variation 2465131 (VCV002465131.2), dbSNP rs368704337, ClinGen allele CA834635.
Genomic context (GRCh38, chr1:46,273,657, plus strand): 5'-GGGACTGCTGGTTGCTGCTCTTCCCAGGTAAGATGCTGGTCCTGGATTATATTCTGGCGG[T>C]GACCCGAAGCCGTAGCAGTGACAAAGTAGTGCTGGTGTCGAATTACACCCAGACTTTGGA-3'
Protein context (NP_003570.2, residues 497-517): KMLVLDYILA[Val507Ala]TRSRSSDKVV